The following is an entry in ClinVar:

NM_052874.5(STX1B):c.289C>G (p.Gln97Glu)

Gene: STX1B (syntaxin 1B; minus strand). Cytogenetic location: 16p11.2.
Variant type: single nucleotide variant.
Coding change: c.289C>G on transcript NM_052874.5 (MANE Select); coding-DNA position 289, C replaced by G.
Protein change: p.Gln97Glu; replaces glutamine 97 with glutamic acid.
Molecular consequence: missense variant.
Genome position (GRCh38, 1-based): chr16:30,997,567, G>C on the plus strand (C>G on the coding strand, the complement: STX1B is on the minus strand). VCF-style: chr16-30997567-G-C. GRCh37 (hg19) VCF-style: chr16-31008888-G-C.
Other names: short protein forms Q97E.
Identifiers: ClinVar variation 3370097 (VCV003370097.2).

ClinVar aggregate classification (germline): Uncertain significance. Review status: criteria provided, multiple submitters, no conflicts (2 of 4 stars). 2 submissions from 2 submitters: Uncertain significance (2). Last evaluated 2025-09-16.

Conditions:
Generalized epilepsy with febrile seizures plus, type 9 (GEFSP9). Also called: GEFS+, TYPE 9. Identifiers: Orphanet 36387, MedGen C4015395, MONDO:0014517, OMIM 616172.

Submissions (2):

Labcorp Genetics (formerly Invitae), Labcorp
Classification: Uncertain significance for Generalized epilepsy with febrile seizures plus, type 9. Last evaluated: 2025-09-16. Review status: criteria provided, single submitter. Criteria: Invitae Variant Classification Sherloc (09022015). Collection method: clinical testing. Allele origin: germline.
Comment: This sequence change replaces glutamine, which is neutral and polar, with glutamic acid, which is acidic and polar, at codon 97 of the STX1B protein (p.Gln97Glu). This variant is not present in population databases (gnomAD no frequency). This variant has not been reported in the literature in individuals affected with STX1B-related conditions. ClinVar contains an entry for this variant (Variation ID: 3370097). Invitae Evidence Modeling of protein sequence and biophysical properties (such as structural, functional, and spatial information, amino acid conservation, physicochemical variation, residue mobility, and thermodynamic stability) indicates that this missense variant is not expected to disrupt STX1B protein function with a negative predictive value of 80%. In summary, the available evidence is currently insufficient to determine the role of this variant in disease. Therefore, it has been classified as a Variant of Uncertain Significance.

GeneDx
Classification: Uncertain significance. Last evaluated: 2024-01-21. Review status: criteria provided, single submitter. Criteria: GeneDx Variant Classification Process June 2021. Collection method: clinical testing. Allele origin: germline. Affected: yes.
Comment: Not observed at significant frequency in large population cohorts (gnomAD); In silico analysis supports that this missense variant does not alter protein structure/function; Has not been previously published as pathogenic or benign to our knowledge